The following is an entry in ClinVar:

NM_153240.5(NPHP3):c.1566G>A (p.Pro522=)

Genes: NPHP3 (nephrocystin 3; minus strand), NPHP3-ACAD11 (NPHP3-ACAD11 readthrough (NMD candidate); minus strand). Cytogenetic location: 3q22.1.
Variant type: single nucleotide variant.
Coding change: c.1566G>A on transcript NM_153240.5 (MANE Select); coding-DNA position 1566, G replaced by A.
Protein change: p.Pro522=; no amino-acid change (proline 522 retained).
Molecular consequence: synonymous variant. On other transcripts: non-coding transcript variant (1).
Genome position (GRCh38, 1-based): chr3:132,701,492, C>T on the plus strand (G>A on the coding strand, the complement: NPHP3 is on the minus strand). VCF-style: chr3-132701492-C-T. GRCh37 (hg19) VCF-style: chr3-132420336-C-T.
Other names: c.1566G>A (NM_153240.4).
Identifiers: ClinVar variation 2901171 (VCV002901171.4), dbSNP rs770658106, ClinGen allele CA2622259.
Genomic context (GRCh38, chr3:132,701,492, plus strand): 5'-CTTTGATAAAAGAAGAGACTTCCCAGAACCTGGTCCTCCAGACACGAGAAGAGGTGGAAT[C>T]GGGGCTGGTGCTGCCACTAGATCATTAAGGCGTTGGTAATACTAGAAAAAAAAATGAATT-3'
Protein context (NP_694972.3, residues 512-532): RLNDLVAAPA[Pro522=]IPPLLVSGGP

ClinVar aggregate classification (germline): Likely benign. Review status: criteria provided, multiple submitters, no conflicts (2 of 4 stars). 2 submissions from 2 submitters: Likely benign (2). Last evaluated 2026-04-01.

Conditions:
NPHP3-related disorder. Also called: NPHP3-related condition; NPHP3-related disorders. Identifiers: MedGen CN379163.
Nephronophthisis. Also called: Juvenile Nephronophthisis. Identifiers: Orphanet 655, MedGen C0687120, MONDO:0019005, HP:0000090.

Allele frequency attached by ClinVar (database versions not stated): gnomAD 0.00001; gnomAD exomes 0.00001; TOPMed 0.00002.
gnomAD v4.1: 23 of 1,613,480 alleles (0.0014%); highest among the groups gnomAD compares: South Asian, 0.0044%; no homozygotes.

Submissions (2):

PreventionGenetics, part of Exact Sciences
Classification: Likely benign for NPHP3-related condition. Last evaluated: 2026-04-01. Review status: criteria provided, single submitter. Criteria: ACMG Guidelines, 2015. Collection method: clinical testing. Allele origin: germline.
Comment: This variant is classified as likely benign based on ACMG/AMP sequence variant interpretation guidelines (Richards et al. 2015 PMID: 25741868, with internal and published modifications).

Labcorp Genetics (formerly Invitae), Labcorp
Classification: Likely benign for Nephronophthisis. Last evaluated: 2023-02-14. Review status: criteria provided, single submitter. Criteria: Invitae Variant Classification Sherloc (09022015). Collection method: clinical testing. Allele origin: germline.